The following is an entry in ClinVar:

NM_006231.4(POLE):c.1984A>C (p.Asn662His)

Gene: POLE (DNA polymerase epsilon, catalytic subunit; minus strand). Cytogenetic location: 12q24.33.
Variant type: single nucleotide variant.
Coding change: c.1984A>C on transcript NM_006231.4 (MANE Select); coding-DNA position 1984, A replaced by C.
Protein change: p.Asn662His; replaces asparagine 662 with histidine.
Molecular consequence: missense variant.
Genome position (GRCh38, 1-based): chr12:132,668,677, T>G on the plus strand (A>C on the coding strand, the complement: POLE is on the minus strand). VCF-style: chr12-132668677-T-G. GRCh37 (hg19) VCF-style: chr12-133245263-T-G.
Other names: short protein forms N662H.
Identifiers: ClinVar variation 947566 (VCV000947566.9), dbSNP rs2042853695, ClinGen allele CA387354943.
Genomic context (GRCh38, chr12:132,668,677, plus strand): 5'-CAGGCGGCCGACACTCACTGAACTCGCCCCTCCACTGCCAGGCCATCTTCCGCTGGCAGT[T>G]TGCTCCAGGCTTATTGAAGTCACAGGCAGCACAGGTGGCTTCGTCCACCATGGCAGAGGG-3'
Protein context (NP_006222.2, residues 652-672): AACDFNKPGA[Asn662His]CQRKMAWQWR

ClinVar aggregate classification (germline): Uncertain significance (1 of 4 stars; one submission).

Submission:

Labcorp Genetics (formerly Invitae), Labcorp
Classification: Uncertain significance. Last evaluated: 2019-04-03. Review status: criteria provided, single submitter. Criteria: Invitae Variant Classification Sherloc (09022015). Collection method: clinical testing. Allele origin: germline.
Comment: In summary, the available evidence is currently insufficient to determine the role of this variant in disease. Therefore, it has been classified as a Variant of Uncertain Significance. This sequence change replaces asparagine with histidine at codon 662 of the POLE protein (p.Asn662His). The asparagine residue is weakly conserved and there is a small physicochemical difference between asparagine and histidine. This variant is not present in population databases (ExAC no frequency). This variant has not been reported in the literature in individuals with POLE-related conditions. Algorithms developed to predict the effect of missense changes on protein structure and function are either unavailable or do not agree on the potential impact of this missense change (SIFT: "Tolerated"; PolyPhen-2: "Possibly Damaging"; Align-GVGD: "Class C0").